The following is an entry in ClinVar:

ClinVar aggregate classification (germline): Conflicting classifications of pathogenicity. Review status: criteria provided, conflicting classifications (1 of 4 stars). 3 submissions from 3 submitters: Uncertain significance (2); Likely benign (1). Last evaluated 2024-10-09.

Conditions:
Legius syndrome. Identifiers: Orphanet 137605, MedGen C1969623, MONDO:0012669, OMIM 611431. Disease mechanism: loss of function.

Allele frequency attached by ClinVar (database versions not stated): gnomAD 0.00001 and 0.00002; gnomAD exomes 0.00002 and 0.00004; TOPMed 0.00002; ExAC 0.00007; ESP Exome Variant Server 0.00008.
gnomAD v4.1: 34 of 1,613,666 alleles (0.0021%); highest among the groups gnomAD compares: Middle Eastern, 0.05%; 1 homozygote.

Submissions (3):

Labcorp Genetics (formerly Invitae), Labcorp
Classification: Uncertain significance for Legius syndrome. Last evaluated: 2024-10-09. Review status: criteria provided, single submitter. Criteria: Invitae Variant Classification Sherloc (09022015). Collection method: clinical testing. Allele origin: germline.
Comment: This sequence change replaces valine, which is neutral and non-polar, with isoleucine, which is neutral and non-polar, at codon 71 of the SPRED1 protein (p.Val71Ile). The frequency data for this variant in the population databases is considered unreliable, as metrics indicate poor data quality at this position in the gnomAD database. This variant has not been reported in the literature in individuals affected with SPRED1-related conditions. ClinVar contains an entry for this variant (Variation ID: 918166). Invitae Evidence Modeling of protein sequence and biophysical properties (such as structural, functional, and spatial information, amino acid conservation, physicochemical variation, residue mobility, and thermodynamic stability) indicates that this missense variant is not expected to disrupt SPRED1 protein function with a negative predictive value of 80%. In summary, the available evidence is currently insufficient to determine the role of this variant in disease. Therefore, it has been classified as a Variant of Uncertain Significance.

GeneDx
Classification: Uncertain significance. Last evaluated: 2020-10-20. Review status: criteria provided, single submitter. Criteria: GeneDx Variant Classification Process June 2021. Collection method: clinical testing. Allele origin: germline. Affected: yes.
Comment: While protein-based in silico analysis supports that this variant does not alter protein structure/function, splice predictors suggest this variant may impact gene splicing. In the absence of RNA or functional studies, the actual effect of this sequence change is unknown.; Has not been previously published as pathogenic or benign to our knowledge; This variant is associated with the following publications: (PMID: 31401120)

Women's Health and Genetics/Laboratory Corporation of America, LabCorp
Classification: Likely benign. Last evaluated: 2020-03-23. Review status: criteria provided, single submitter. Criteria: LabCorp Variant Classification Summary - May 2015. Collection method: clinical testing. Allele origin: germline.
Comment: Variant summary: SPRED1 c.211G>A (p.Val71Ile) results in a conservative amino acid change in the encoded protein sequence. Three of five in-silico tools predict a benign effect of the variant on protein function. The variant allele was found at a frequency of 4e-05 in 251108 control chromosomes. The observed variant frequency is approximately 15.93 fold of the estimated maximal expected allele frequency for a pathogenic variant in SPRED1 causing Noonan Syndrome and Related Conditions phenotype (2.5e-06), strongly suggesting that the variant is benign. To our knowledge, no occurrence of c.211G>A in individuals affected with Noonan Syndrome and Related Conditions and no experimental evidence demonstrating its impact on protein function have been reported. No clinical diagnostic laboratories have submitted clinical-significance assessments for this variant to ClinVar after 2014. Based on the evidence outlined above, the variant was classified as likely benign.

NM_152594.3(SPRED1):c.211G>A (p.Val71Ile)

Gene: SPRED1 (sprouty related EVH1 domain containing 1; plus strand). Cytogenetic location: 15q14.
Variant type: single nucleotide variant.
Coding change: c.211G>A on transcript NM_152594.3 (MANE Select); coding-DNA position 211, G replaced by A.
Protein change: p.Val71Ile; replaces valine 71 with isoleucine.
Molecular consequence: missense variant.
Genome position (GRCh38, 1-based): chr15:38,322,244, G>A. VCF-style: chr15-38322244-G-A. GRCh37 (hg19) VCF-style: chr15-38614445-G-A.
Other names: short protein forms V71I.
Identifiers: ClinVar variation 918166 (VCV000918166.9), dbSNP rs369150309, ClinGen allele CA7470027.
Genomic context (GRCh38, chr15:38,322,244, plus strand): 5'-CTACATTAGATGCATTTGATATATGTATATTAATTTTTGGTATTTGGCTTTTGTCAGGTG[G>A]TTTTGGAATGTATGCTTAAAAAAGACCTCATTTATAATAAGGTCACTCCAACATTTCACC-3'
Protein context (NP_689807.1, residues 61-81): RGERLRDKMV[Val71Ile]LECMLKKDLI